The following is an entry in ClinVar:

ClinVar aggregate classification (germline): Uncertain significance (1 of 4 stars; one submission).

Submission:

GeneDx
Classification: Uncertain significance. Last evaluated: 2026-01-22. Review status: criteria provided, single submitter. Criteria: GeneDx Variant Classification Process June 2021. Collection method: clinical testing. Allele origin: germline.
Comment: Not observed at significant frequency in large population cohorts (gnomAD); In silico analysis supports that this missense variant has a deleterious effect on protein structure/function; Has not been previously published as pathogenic or benign to our knowledge

NM_001353345.2(SETD1B):c.80A>T (p.His27Leu)

Gene: SETD1B (SET domain containing 1B, histone lysine methyltransferase; plus strand). Cytogenetic location: 12q24.31.
Variant type: single nucleotide variant.
Coding change: c.80A>T on transcript NM_001353345.2 (MANE Select); coding-DNA position 80, A replaced by T.
Protein change: p.His27Leu; replaces histidine 27 with leucine.
Molecular consequence: missense variant.
Genome position (GRCh38, 1-based): chr12:121,804,817, A>T. VCF-style: chr12-121804817-A-T. GRCh37 (hg19) VCF-style: chr12-122242723-A-T.
Other names: short protein forms H27L.
Identifiers: ClinVar variation 4975451 (VCV004975451.1).
Genomic context (GRCh38, chr12:121,804,817, plus strand): 5'-CCCACCACCACCACCAGCAGCCCCCGCCGCAGCCCGGCCCTTCGGGCGAGAGGAGGAACC[A>T]CCATTGGAGAAGTTACAAGTTGATGATTGACCCGGCTCTGAAAAAGGGGCATCATAAACT-3'
Protein context (NP_001340274.1, residues 17-37): QPGPSGERRN[His27Leu]HWRSYKLMID